The following is an entry in ClinVar:

NM_024675.4(PALB2):c.1754A>G (p.Asp585Gly)

Gene: PALB2 (partner and localizer of BRCA2; minus strand). Cytogenetic location: 16p12.2.
Variant type: single nucleotide variant.
Coding change: c.1754A>G on transcript NM_024675.4 (MANE Select); coding-DNA position 1754, A replaced by G.
Protein change: p.Asp585Gly; replaces aspartic acid 585 with glycine.
Molecular consequence: missense variant.
Genome position (GRCh38, 1-based): chr16:23,630,400, T>C on the plus strand (A>G on the coding strand, the complement: PALB2 is on the minus strand). VCF-style: chr16-23630400-T-C. GRCh37 (hg19) VCF-style: chr16-23641721-T-C.
Other names: short protein forms D585G.
Identifiers: ClinVar variation 820009 (VCV000820009.8), dbSNP rs1597091293, ClinGen allele CA395128242.

ClinVar aggregate classification (germline): Uncertain significance. Review status: criteria provided, multiple submitters, no conflicts (2 of 4 stars). 2 submissions from 2 submitters: Uncertain significance (2). Last evaluated 2025-03-05.

Conditions:
Hereditary cancer-predisposing syndrome. Also called: Neoplastic Syndromes, Hereditary; Tumor predisposition; Hereditary Cancer Syndrome; Hereditary neoplastic syndrome. Identifiers: Orphanet 140162, MedGen C0027672, MeSH D009386, MONDO:0015356.
Familial cancer of breast. Also called: BREAST CANCER, FAMILIAL; Hereditary breast cancer; hereditary breast carcinoma. Identifiers: Orphanet 227535, MedGen C0346153, MONDO:0016419, OMIM 114480. Disease mechanism: loss of function.

Submissions (2):

Labcorp Genetics (formerly Invitae), Labcorp
Classification: Uncertain significance for Familial cancer of breast. Last evaluated: 2025-03-05. Review status: criteria provided, single submitter. Criteria: Invitae Variant Classification Sherloc (09022015). Collection method: clinical testing. Allele origin: germline.
Comment: This sequence change replaces aspartic acid, which is acidic and polar, with glycine, which is neutral and non-polar, at codon 585 of the PALB2 protein (p.Asp585Gly). This variant is not present in population databases (gnomAD no frequency). This variant has not been reported in the literature in individuals affected with PALB2-related conditions. ClinVar contains an entry for this variant (Variation ID: 820009). Invitae Evidence Modeling of protein sequence and biophysical properties (such as structural, functional, and spatial information, amino acid conservation, physicochemical variation, residue mobility, and thermodynamic stability) indicates that this missense variant is not expected to disrupt PALB2 protein function with a negative predictive value of 80%. In summary, the available evidence is currently insufficient to determine the role of this variant in disease. Therefore, it has been classified as a Variant of Uncertain Significance.

Ambry Genetics
Classification: Uncertain significance for Hereditary cancer-predisposing syndrome. Last evaluated: 2022-11-27. Review status: criteria provided, single submitter. Criteria: Ambry Variant Classification Scheme 2023. Collection method: clinical testing. Allele origin: germline.
Comment: The p.D585G variant (also known as c.1754A>G), located in coding exon 5 of the PALB2 gene, results from an A to G substitution at nucleotide position 1754. The aspartic acid at codon 585 is replaced by glycine, an amino acid with similar properties. This amino acid position is not well conserved in available vertebrate species. In addition, this alteration is predicted to be tolerated by in silico analysis. Since supporting evidence is limited at this time, the clinical significance of this alteration remains unclear.